The following is an entry in ClinVar:

ClinVar aggregate classification (germline): Likely benign (0 of 4 stars; one submission).

Conditions:
PLPP6-related disorder. Also called: PLPP6-related condition.

Allele frequency attached by ClinVar (database versions not stated): gnomAD exomes 0.00001; TOPMed 0.00001; gnomAD 0.00003; ExAC 0.00005.
gnomAD v4.1: 18 of 1,606,600 alleles (0.0011%); highest among the groups gnomAD compares: East Asian, 0.038%; no homozygotes.

Submission:

PreventionGenetics, part of Exact Sciences
Classification: Likely benign for PLPP6-related condition. Last evaluated: 2022-07-11. Review status: no assertion criteria provided. Collection method: clinical testing. Allele origin: germline.
Comment: This variant is classified as likely benign based on ACMG/AMP sequence variant interpretation guidelines (Richards et al. 2015 PMID: 25741868, with internal and published modifications).

NM_203453.5(PLPP6):c.507G>A (p.Leu169=)

Genes: PLPP6 (phospholipid phosphatase 6; plus strand), SPATA6L (spermatogenesis associated 6 like; minus strand). Cytogenetic location: 9p24.1.
Variant type: single nucleotide variant.
Coding change: c.507G>A on transcript NM_203453.5 (MANE Select); coding-DNA position 507, G replaced by A.
Protein change: p.Leu169=; no amino-acid change (leucine 169 retained).
Molecular consequence: synonymous variant. On other transcripts: intron variant (6).
Genome position (GRCh38, 1-based): chr9:4,662,882, G>A. VCF-style: chr9-4662882-G-A. GRCh37 (hg19) VCF-style: chr9-4662882-G-A.
Other names: c.40-846C>T (NM_001039395.4, NM_001353484.2, NM_001353486.2 and 2 more transcripts); c.-606-846C>T (NM_001353491.2).
Identifiers: ClinVar variation 3031620 (VCV003031620.2), dbSNP rs761595054, ClinGen allele CA4970117.